The following is an entry in ClinVar:

NM_001008212.2(OPTN):c.1154A>G (p.Lys385Arg)

Gene: OPTN (optineurin; plus strand). Cytogenetic location: 10p13.
Variant type: single nucleotide variant.
Coding change: c.1154A>G on transcript NM_001008212.2 (MANE Select); coding-DNA position 1154, A replaced by G.
Protein change: p.Lys385Arg; replaces lysine 385 with arginine.
Molecular consequence: missense variant.
Genome position (GRCh38, 1-based): chr10:13,125,951, A>G. VCF-style: chr10-13125951-A-G. GRCh37 (hg19) VCF-style: chr10-13167951-A-G.
Other names: c.1154A>G, p.Lys385Arg (NM_001008211.1, NM_001008213.1, NM_021980.4); short protein forms K385R.
Identifiers: ClinVar variation 2640307 (VCV002640307.24), dbSNP rs1833449642, ClinGen allele CA376029563.

ClinVar aggregate classification (germline): Uncertain significance (1 of 4 stars; one submission).

Submission:

CeGaT Center for Human Genetics Tuebingen
Classification: Uncertain significance. Last evaluated: 2022-12-01. Review status: criteria provided, single submitter. Criteria: CeGaT Center For Human Genetics Tuebingen Variant Classification Criteria Version 2. Collection method: clinical testing. Allele origin: germline. Affected: yes. Observed: 1 variant allele.
Comment: OPTN: PM2, BP4